The following is an entry in ClinVar:

NM_001159699.2(FHL1):c.72C>G (p.His24Gln)

Gene: FHL1 (four and a half LIM domains 1; plus strand). Cytogenetic location: Xq26.3.
Variant type: single nucleotide variant.
Coding change: c.72C>G on transcript NM_001159699.2 (MANE Select); coding-DNA position 72, C replaced by G.
Protein change: p.His24Gln; replaces histidine 24 with glutamine.
Molecular consequence: missense variant. On other transcripts: non-coding transcript variant (1).
Genome position (GRCh38, 1-based): chrX:136,206,456, C>G. VCF-style: chrX-136206456-C-G. GRCh37 (hg19) VCF-style: chrX-135288615-C-G.
Other names: c.24C>G, p.His8Gln (NM_001159700.2, NM_001159702.3, NM_001159703.2 and 9 more transcripts); c.111C>G, p.His37Gln (NM_001159701.2); c.72C>G, p.His24Gln (NM_001330659.2); short protein forms H37Q, H8Q, H24Q.
Identifiers: ClinVar variation 1980282 (VCV001980282.4), dbSNP rs2521246943, ClinGen allele CA414607397.

ClinVar aggregate classification (germline): Uncertain significance (1 of 4 stars; one submission).

Conditions:
X-linked myopathy with postural muscle atrophy. Also called: FHL1-Related Emery-Dreifuss Muscular Dystrophy, X-Linked. Identifiers: Orphanet 178461, MedGen C2678055, MONDO:0010401, OMIM 300696.

Submission:

Labcorp Genetics (formerly Invitae), Labcorp
Classification: Uncertain significance for X-linked myopathy with postural muscle atrophy. Last evaluated: 2021-12-17. Review status: criteria provided, single submitter. Criteria: Invitae Variant Classification Sherloc (09022015). Collection method: clinical testing. Allele origin: germline.
Comment: This sequence change replaces histidine, which is basic and polar, with glutamine, which is neutral and polar, at codon 8 of the FHL1 protein (p.His8Gln). This variant is not present in population databases (gnomAD no frequency). This variant has not been reported in the literature in individuals affected with FHL1-related conditions. Algorithms developed to predict the effect of missense changes on protein structure and function are either unavailable or do not agree on the potential impact of this missense change (SIFT: "Tolerated"; PolyPhen-2: "Possibly Damaging"; Align-GVGD: "Class C0"). In summary, the available evidence is currently insufficient to determine the role of this variant in disease. Therefore, it has been classified as a Variant of Uncertain Significance.